The following is an entry in ClinVar:

ClinVar aggregate classification (germline): Likely pathogenic (1 of 4 stars; one submission).

Allele frequency attached by ClinVar (database versions not stated): gnomAD exomes below 0.00001; gnomAD 0.00001.
gnomAD v4.1: 4 of 1,613,336 alleles (0.00025%); highest among the groups gnomAD compares: Non-Finnish European, 0.00034%; no homozygotes.

Submission:

Labcorp Genetics (formerly Invitae), Labcorp
Classification: Likely pathogenic. Last evaluated: 2023-05-19. Review status: criteria provided, single submitter. Criteria: Invitae Variant Classification Sherloc (09022015). Collection method: clinical testing. Allele origin: germline.
Comment: In summary, the currently available evidence indicates that the variant is pathogenic, but additional data are needed to prove that conclusively. Therefore, this variant has been classified as Likely Pathogenic. Algorithms developed to predict the effect of sequence changes on RNA splicing suggest that this variant may disrupt the consensus splice site. This variant has not been reported in the literature in individuals affected with DNAH9-related conditions. This variant is present in population databases (no rsID available, gnomAD 0.007%). This sequence change affects an acceptor splice site in intron 38 of the DNAH9 gene. It is expected to disrupt RNA splicing. Variants that disrupt the donor or acceptor splice site typically lead to a loss of protein function (PMID: 16199547), and loss-of-function variants in DNAH9 are known to be pathogenic (PMID: 30471718).

Literature cited by the submitters: PubMed 16199547; PubMed 30471718.

NM_001372.4(DNAH9):c.7553-1G>A

Gene: DNAH9 (dynein axonemal heavy chain 9; plus strand). Cytogenetic location: 17p12.
Variant type: single nucleotide variant.
Coding change: c.7553-1G>A on transcript NM_001372.4 (MANE Select); the canonical splice acceptor site of the intron before coding-DNA position 7553, G replaced by A.
Molecular consequence: splice acceptor variant.
Genome position (GRCh38, 1-based): chr17:11,781,008, G>A. VCF-style: chr17-11781008-G-A. GRCh37 (hg19) VCF-style: chr17-11684325-G-A.
Identifiers: ClinVar variation 2790496 (VCV002790496.3), dbSNP rs1166058965, ClinGen allele CA398190884.